The following is an entry in ClinVar:

ClinVar aggregate classification (germline): Likely pathogenic (1 of 4 stars; one submission).

Submission:

GeneDx
Classification: Likely pathogenic. Last evaluated: 2018-01-16. Review status: criteria provided, single submitter. Criteria: GeneDx Variant Classification (06012015). Collection method: clinical testing. Allele origin: germline. Affected: yes.
Comment: The F325L variant in the GABRA1 gene has not been reported previously as a pathogenic variant, nor as a benign variant, to our knowledge. The F325L variant was not observed in approximately 6500 individuals of European and African American ancestry in the NHLBI Exome Sequencing Project, indicating it is not a common benign variant in these populations. The F325L variant is a conservative amino acid substitution, which is not likely to impact secondary protein structure as these residues share similar properties. This substitution occurs at a position that is conserved across species. In silico analysis predicts this variant is probably damaging to the protein structure/function. The F325L variant is a strong candidate for a pathogenic variant, however the possibility it may be a rare benign variant cannot be excluded.

NM_001127644.2(GABRA1):c.973T>C (p.Phe325Leu)

Gene: GABRA1 (gamma-aminobutyric acid type A receptor subunit alpha1; plus strand). Cytogenetic location: 5q34.
Variant type: single nucleotide variant.
Coding change: c.973T>C on transcript NM_001127644.2 (MANE Select); coding-DNA position 973, T replaced by C.
Protein change: p.Phe325Leu; replaces phenylalanine 325 with leucine.
Molecular consequence: missense variant.
Genome position (GRCh38, 1-based): chr5:161,895,782, T>C. VCF-style: chr5-161895782-T-C. GRCh37 (hg19) VCF-style: chr5-161322788-T-C.
Other names: c.973T>C, p.Phe325Leu (NM_000806.5, NM_001127643.2, NM_001127645.2 and 1 more transcripts); short protein forms F325L.
Identifiers: ClinVar variation 420752 (VCV000420752.2), dbSNP rs1064794681, ClinGen allele CA16618158.